The following is an entry in ClinVar:

NM_001374828.1(ARID1B):c.1127G>A (p.Ser376Asn)

Gene: ARID1B (AT-rich interaction domain 1B; plus strand). Cytogenetic location: 6q25.3.
Variant type: single nucleotide variant.
Coding change: c.1127G>A on transcript NM_001374828.1 (MANE Select); coding-DNA position 1127, G replaced by A.
Protein change: p.Ser376Asn; replaces serine 376 with asparagine.
Molecular consequence: missense variant.
Genome position (GRCh38, 1-based): chr6:156,778,807, G>A. VCF-style: chr6-156778807-G-A. GRCh37 (hg19) VCF-style: chr6-157099941-G-A.
Other names: c.878G>A, p.Ser293Asn (NM_001346813.1, NM_020732.3); c.1127G>A, p.Ser376Asn (NM_001371656.1, NM_001374820.1, NM_017519.3); c.704G>A, p.Ser235Asn (NM_175863.2); short protein forms S235N, S293N, S376N.
Identifiers: ClinVar variation 2731616 (VCV002731616.3), dbSNP rs938985831, ClinGen allele CA366383171.

ClinVar aggregate classification (germline): Uncertain significance (1 of 4 stars; one submission).

Allele frequency attached by ClinVar (database versions not stated): gnomAD exomes 0.00001.
gnomAD v4.1: 5 of 1,494,910 alleles (0.00033%); highest among the groups gnomAD compares: African/African-American, 0.0015%; no homozygotes.

Submission:

Labcorp Genetics (formerly Invitae), Labcorp
Classification: Uncertain significance. Last evaluated: 2023-06-10. Review status: criteria provided, single submitter. Criteria: Invitae Variant Classification Sherloc (09022015). Collection method: clinical testing. Allele origin: germline.
Comment: In summary, the available evidence is currently insufficient to determine the role of this variant in disease. Therefore, it has been classified as a Variant of Uncertain Significance. Experimental studies and prediction algorithms are not available or were not evaluated, and the functional significance of this variant is currently unknown. This variant has not been reported in the literature in individuals affected with ARID1B-related conditions. This variant is not present in population databases (gnomAD no frequency). This sequence change replaces serine, which is neutral and polar, with asparagine, which is neutral and polar, at codon 293 of the ARID1B protein (p.Ser293Asn).